The following is an entry in ClinVar:

ClinVar aggregate classification (germline): Uncertain significance. Review status: criteria provided, multiple submitters, no conflicts (2 of 4 stars). 5 submissions from 5 submitters: Uncertain significance (5). Last evaluated 2024-08-11.

Conditions:
Cardiomyopathy (CMYO). Also called: Cardiomyopathies. Identifiers: Orphanet 167848, MedGen C0878544, MONDO:0004994, HP:0001638. Inheritance: Various modes of inheritance.
Cardiovascular phenotype. Identifiers: MedGen CN230736.
Arrhythmogenic right ventricular dysplasia 5. Also called: Arrhythmogenic Right Ventricular Dysplasia/Cardiomyopathy 5; ARRHYTHMOGENIC RIGHT VENTRICULAR DYSPLASIA, FAMILIAL, 5. Identifiers: MedGen C1858379, MONDO:0011459, OMIM 604400.

Allele frequency attached by ClinVar (database versions not stated): gnomAD exomes below 0.00001 and 0.00001; ExAC 0.00001.
gnomAD v4.1: 16 of 1,614,160 alleles (0.00099%); highest among the groups gnomAD compares: Non-Finnish European, 0.0014%; no homozygotes.

Submissions (5):

Labcorp Genetics (formerly Invitae), Labcorp
Classification: Uncertain significance for Arrhythmogenic right ventricular dysplasia 5. Last evaluated: 2024-08-11. Review status: criteria provided, single submitter. Criteria: Invitae Variant Classification Sherloc (09022015). Collection method: clinical testing. Allele origin: germline.
Comment: This sequence change replaces proline, which is neutral and non-polar, with leucine, which is neutral and non-polar, at codon 338 of the TMEM43 protein (p.Pro338Leu). This variant is present in population databases (rs17856369, gnomAD 0.0009%). This variant has not been reported in the literature in individuals affected with TMEM43-related conditions. ClinVar contains an entry for this variant (Variation ID: 928339). Advanced modeling of protein sequence and biophysical properties (such as structural, functional, and spatial information, amino acid conservation, physicochemical variation, residue mobility, and thermodynamic stability) performed at Invitae indicates that this missense variant is expected to disrupt TMEM43 protein function with a positive predictive value of 80%. In summary, the available evidence is currently insufficient to determine the role of this variant in disease. Therefore, it has been classified as a Variant of Uncertain Significance.

All of Us Research Program, National Institutes of Health
Classification: Uncertain significance for Arrhythmogenic right ventricular dysplasia 5. Last evaluated: 2024-06-09. Review status: criteria provided, single submitter. Criteria: ACMG Guidelines, 2015. Collection method: clinical testing. Allele origin: germline. Inheritance: Autosomal dominant inheritance. Observed: 3 variant alleles, 3 heterozygotes.
Comment: This missense variant replaces proline with leucine at codon 338 of the TMEM43 protein. Computational prediction tools and conservation analyses are inconclusive regarding the impact of this variant on protein function. Computational splicing tools suggest that this variant may not impact RNA splicing. To our knowledge, functional assays have not been performed for this variant nor has this variant been reported in individuals affected with cardiovascular disorders in the literature. This variant has been identified in 1/250486 chromosomes in the general population by the Genome Aggregation Database (gnomAD). Available evidence is insufficient to determine the role of this variant in disease conclusively. Therefore, this variant is classified as a Variant of Uncertain Significance.

This study involves interpretation of variants in research participants for the purpose of population health screening. Participant phenotype was not available at the time of variant classification. Additional details can be found in publication PMID: 35346344, PMCID: PMC8962531

Color Diagnostics, LLC DBA Color Health
Classification: Uncertain significance for Cardiomyopathy. Last evaluated: 2024-03-06. Review status: criteria provided, single submitter. Criteria: ACMG Guidelines, 2015. Collection method: clinical testing. Allele origin: germline.
Comment: This missense variant replaces proline with leucine at codon 338 of the TMEM43 protein. Computational prediction is inconclusive regarding the impact of this variant on protein structure and function (internally defined REVEL score threshold 0.5 < inconclusive < 0.7, PMID: 27666373). To our knowledge, functional studies have not been reported for this variant. This variant has not been reported in individuals affected with TMEM43-related disorders in the literature. This variant has been identified in 1/250486 chromosomes in the general population by the Genome Aggregation Database (gnomAD). The available evidence is insufficient to determine the role of this variant in disease conclusively. Therefore, this variant is classified as a Variant of Uncertain Significance.

Ambry Genetics
Classification: Uncertain significance for Cardiovascular phenotype. Last evaluated: 2023-01-24. Review status: criteria provided, single submitter. Criteria: Ambry Variant Classification Scheme 2023. Collection method: clinical testing. Allele origin: germline.
Comment: The p.P338L variant (also known as c.1013C>T), located in coding exon 12 of the TMEM43 gene, results from a C to T substitution at nucleotide position 1013. The proline at codon 338 is replaced by leucine, an amino acid with similar properties. This amino acid position is highly conserved in available vertebrate species. In addition, this alteration is predicted to be deleterious by in silico analysis. Since supporting evidence is limited at this time, the clinical significance of this alteration remains unclear.

AiLife Diagnostics
Classification: Uncertain significance. Last evaluated: 2021-10-27. Review status: criteria provided, single submitter. Criteria: ACMG Guidelines, 2015. Collection method: clinical testing. Allele origin: germline. Affected: yes. Observed: 1 variant allele.

NM_024334.3(TMEM43):c.1013C>T (p.Pro338Leu)

Gene: TMEM43 (transmembrane protein 43; plus strand). Cytogenetic location: 3p25.1.
Variant type: single nucleotide variant.
Coding change: c.1013C>T on transcript NM_024334.3 (MANE Select); coding-DNA position 1013, C replaced by T.
Protein change: p.Pro338Leu; replaces proline 338 with leucine.
Molecular consequence: missense variant.
Genome position (GRCh38, 1-based): chr3:14,141,605, C>T. VCF-style: chr3-14141605-C-T. GRCh37 (hg19) VCF-style: chr3-14183105-C-T.
Other names: short protein forms P338L.
Identifiers: ClinVar variation 928339 (VCV000928339.18), dbSNP rs17856369, ClinGen allele CA050947.